The following is an entry in ClinVar:

ClinVar aggregate classification (germline): Benign/Likely benign. Review status: criteria provided, multiple submitters, no conflicts (2 of 4 stars). 3 submissions from 3 submitters: Benign (1); Likely benign (2). Last evaluated 2025-10-01.

Conditions:
Junctional epidermolysis bullosa, non-Herlitz type. Also called: Adult junctional epidermolysis bullosa; COL17A1-Related Junctional Epidermolysis Bullosa; Epidermolysis bullosa, junctional, non-herlitz type, somatic mosaic revertant; EPIDERMOLYSIS BULLOSA, JUNCTIONAL 1A, INTERMEDIATE; EPIDERMOLYSIS BULLOSA JUNCTIONALIS, DISENTIS TYPE; EPIDERMOLYSIS BULLOSA JUNCTIONALIS, NON-HERLITZ TYPE. Identifiers: Orphanet 251393, Orphanet 79402, Orphanet 79405, Orphanet 89840, MedGen C0268374, MONDO:0009180, OMIM 226650.

Allele frequency attached by ClinVar (database versions not stated): gnomAD exomes 0.00015 and 0.00040; ExAC 0.00052; 1000 Genomes Project 0.00160; gnomAD 0.00185 and 0.00207; 1000 Genomes Project 30x 0.00187; TOPMed 0.00195; ESP Exome Variant Server 0.00200.
gnomAD v4.1: 500 of 1,614,046 alleles (0.031%); highest among the groups gnomAD compares: African/African-American, 0.62%; 1 homozygote.

Submissions (3):

CeGaT Center for Human Genetics Tuebingen
Classification: Likely benign. Last evaluated: 2025-10-01. Review status: criteria provided, single submitter. Criteria: CeGaT Center For Human Genetics Tuebingen Variant Classification Criteria Version 2. Collection method: clinical testing. Allele origin: germline. Affected: yes. Observed: 1 variant allele.
Comment: COL17A1: BP4, BP7

Labcorp Genetics (formerly Invitae), Labcorp
Classification: Benign. Last evaluated: 2025-09-23. Review status: criteria provided, single submitter. Criteria: Invitae Variant Classification Sherloc (09022015). Collection method: clinical testing. Allele origin: germline.

Illumina Laboratory Services, Illumina
Classification: Likely benign for Junctional epidermolysis bullosa, non-Herlitz type. Last evaluated: 2018-01-12. Review status: criteria provided, single submitter. Criteria: ICSL Variant Classification Criteria 13 December 2019. Collection method: clinical testing. Allele origin: germline.
Comment: This variant was observed in the ICSL laboratory as part of a predisposition screen in an ostensibly healthy population. It had not been previously curated by ICSL or reported in the Human Gene Mutation Database (HGMD: prior to June 1st, 2018), and was therefore a candidate for classification through an automated scoring system. Utilizing variant allele frequency, disease prevalence and penetrance estimates, and inheritance mode, an automated score was calculated to assess if this variant is too frequent to cause the disease. Based on the score and internal cut-off values, a variant classified as likely benign is not then subjected to further curation. The score for this variant resulted in a classification of likely benign for this disease.

NM_000494.4(COL17A1):c.4317C>G (p.Pro1439=)

Gene: COL17A1 (collagen type XVII alpha 1 chain; minus strand). Cytogenetic location: 10q25.1.
Variant type: single nucleotide variant.
Coding change: c.4317C>G on transcript NM_000494.4 (MANE Select); coding-DNA position 4317, C replaced by G.
Protein change: p.Pro1439=; no amino-acid change (proline 1439 retained).
Molecular consequence: synonymous variant.
Genome position (GRCh38, 1-based): chr10:104,032,946, G>C on the plus strand (C>G on the coding strand, the complement: COL17A1 is on the minus strand). VCF-style: chr10-104032946-G-C. GRCh37 (hg19) VCF-style: chr10-105792704-G-C.
Other names: c.4317C>G, p.Pro1439= (LRG_1249t1).
Identifiers: ClinVar variation 298682 (VCV000298682.20), dbSNP rs143826232, ClinGen allele CA5677628.